The following is an entry in ClinVar:

NM_024675.4(PALB2):c.2534C>G (p.Pro845Arg)

Gene: PALB2 (partner and localizer of BRCA2; minus strand). Cytogenetic location: 16p12.2.
Variant type: single nucleotide variant.
Coding change: c.2534C>G on transcript NM_024675.4 (MANE Select); coding-DNA position 2534, C replaced by G.
Protein change: p.Pro845Arg; replaces proline 845 with arginine.
Molecular consequence: missense variant. On other transcripts: intron variant (1).
Genome position (GRCh38, 1-based): chr16:23,629,256, G>C on the plus strand (C>G on the coding strand, the complement: PALB2 is on the minus strand). VCF-style: chr16-23629256-G-C. GRCh37 (hg19) VCF-style: chr16-23640577-G-C.
Other names: c.2474C>G, p.Pro825Arg (NM_001407296.1); c.2534C>G, p.Pro845Arg (NM_001407298.1, NM_001407299.1, NM_001407300.1 and 2 more transcripts); c.1649C>G, p.Pro550Arg (NM_001407304.1, NM_001407305.1, NM_001407306.1 and 5 more transcripts); c.746C>G, p.Pro249Arg (NM_001407312.1, NM_001407313.1); c.68C>G, p.Pro23Arg (NM_001407314.1); c.2514+384C>G (NM_001407297.1); short protein forms P550R, P23R, P249R, P845R, P825R.
Identifiers: ClinVar variation 4744758 (VCV004744758.1).

ClinVar aggregate classification (germline): Uncertain significance (1 of 4 stars; one submission).

Conditions:
Familial cancer of breast. Also called: BREAST CANCER, FAMILIAL; Hereditary breast cancer; hereditary breast carcinoma. Identifiers: Orphanet 227535, MedGen C0346153, MONDO:0016419, OMIM 114480. Disease mechanism: loss of function.

Submission:

Labcorp Genetics (formerly Invitae), Labcorp
Classification: Uncertain significance for Familial cancer of breast. Last evaluated: 2025-03-09. Review status: criteria provided, single submitter. Criteria: Invitae Variant Classification Sherloc (09022015). Collection method: clinical testing. Allele origin: germline.
Comment: This sequence change replaces proline, which is neutral and non-polar, with arginine, which is basic and polar, at codon 845 of the PALB2 protein (p.Pro845Arg). This variant is not present in population databases (gnomAD no frequency). This variant has not been reported in the literature in individuals affected with PALB2-related conditions. Invitae Evidence Modeling of protein sequence and biophysical properties (such as structural, functional, and spatial information, amino acid conservation, physicochemical variation, residue mobility, and thermodynamic stability) indicates that this missense variant is expected to disrupt PALB2 protein function with a positive predictive value of 80%. In summary, the available evidence is currently insufficient to determine the role of this variant in disease. Therefore, it has been classified as a Variant of Uncertain Significance.